The following is an entry in ClinVar:

NM_006129.5(BMP1):c.1597G>C (p.Gly533Arg)

Genes: BMP1 (bone morphogenetic protein 1; plus strand), LOC113788269 (BRD4-independent group 4 enhancer GRCh37_chr8:22052064-22053263; plus strand). Cytogenetic location: 8p21.3.
Variant type: single nucleotide variant.
Coding change: c.1597G>C on transcript NM_006129.5 (MANE Select); coding-DNA position 1597, G replaced by C.
Protein change: p.Gly533Arg; replaces glycine 533 with arginine.
Molecular consequence: missense variant. On other transcripts: non-coding transcript variant (2).
Genome position (GRCh38, 1-based): chr8:22,194,877, G>C. VCF-style: chr8-22194877-G-C. GRCh37 (hg19) VCF-style: chr8-22052390-G-C.
Other names: c.1597G>C (NM_006129.4); c.1597G>C, p.Gly533Arg (NM_001199.4); short protein forms G533R.
Identifiers: ClinVar variation 1450115 (VCV001450115.7), dbSNP rs146615409, ClinGen allele CA4664717.
Genomic context (GRCh38, chr8:22,194,877, plus strand): 5'-GAGAAGCCTGATGACATCAAGAGCACGTCCAGCCGCCTCTGGCTCAAGTTCGTCTCTGAC[G>C]GGTCCATTAACAAAGCGGGCTTTGCCGTCAACTTTTTCAAAGGTGCCTCCTCTGTTACTC-3'
Protein context (NP_006120.1, residues 523-543): SRLWLKFVSD[Gly533Arg]SINKAGFAVN

ClinVar aggregate classification (germline): Uncertain significance. Review status: criteria provided, multiple submitters, no conflicts (2 of 4 stars). 2 submissions from 2 submitters: Uncertain significance (2). Last evaluated 2026-08-04.

Allele frequency attached by ClinVar (database versions not stated): ExAC 0.00023; ESP Exome Variant Server 0.00023; 1000 Genomes Project 30x 0.00031; 1000 Genomes Project 0.00020.
gnomAD v4.1: 546 of 1,613,340 alleles (0.034%); highest among the groups gnomAD compares: Non-Finnish European, 0.043%; no homozygotes.

Submissions (2):

GeneDx
Classification: Uncertain significance. Last evaluated: 2026-08-04. Review status: criteria provided, single submitter. Criteria: GeneDx Variant Classification Process June 2021. Collection method: clinical testing. Allele origin: germline.
Comment: In silico analysis supports that this missense variant has a deleterious effect on protein structure/function; Has not been previously published as pathogenic or benign to our knowledge

Labcorp Genetics (formerly Invitae), Labcorp
Classification: Uncertain significance. Last evaluated: 2022-08-16. Review status: criteria provided, single submitter. Criteria: Invitae Variant Classification Sherloc (09022015). Collection method: clinical testing. Allele origin: germline.
Comment: This sequence change replaces glycine, which is neutral and non-polar, with arginine, which is basic and polar, at codon 533 of the BMP1 protein (p.Gly533Arg). This variant is present in population databases (rs146615409, gnomAD 0.04%). This variant has not been reported in the literature in individuals affected with BMP1-related conditions. ClinVar contains an entry for this variant (Variation ID: 1450115). Algorithms developed to predict the effect of missense changes on protein structure and function are either unavailable or do not agree on the potential impact of this missense change (SIFT: "Deleterious"; PolyPhen-2: "Benign"; Align-GVGD: "Class C65"). In summary, the available evidence is currently insufficient to determine the role of this variant in disease. Therefore, it has been classified as a Variant of Uncertain Significance.